The following is an entry in ClinVar:

ClinVar aggregate classification (germline): Uncertain significance (1 of 4 stars; one submission).

Conditions:
Kennedy disease (SMAX1). Also called: SPINAL AND BULBAR MUSCULAR ATROPHY, X-LINKED 1; KENNEDY SPINAL AND BULBAR MUSCULAR ATROPHY; Spinal and Bulbar Muscular Atrophy. Identifiers: Orphanet 481, MedGen C1839259, MONDO:0010735, OMIM 313200.
Androgen resistance syndrome (AIS). Also called: Androgen insensitivity, complete; ANDROGEN RECEPTOR DEFICIENCY; DIHYDROTESTOSTERONE RECEPTOR DEFICIENCY; Androgen insensitivity syndrome due to coactivator deficiency; Androgen insensitivity; TESTICULAR FEMINIZATION SYNDROME. Identifiers: Orphanet 754, Orphanet 99429, MedGen C0039585, MONDO:0019154, OMIM 300068. Disease mechanism: loss of function.

Submission:

Labcorp Genetics (formerly Invitae), Labcorp
Classification: Uncertain significance for Kennedy disease; Androgen resistance syndrome. Last evaluated: 2021-01-19. Review status: criteria provided, single submitter. Criteria: Invitae Variant Classification Sherloc (09022015). Collection method: clinical testing. Allele origin: germline.
Comment: In summary, the available evidence is currently insufficient to determine the role of this variant in disease. Therefore, it has been classified as a Variant of Uncertain Significance. Nucleotide substitutions within the consensus splice site are a relatively common cause of aberrant splicing (PMID: 17576681, 9536098). Algorithms developed to predict the effect of sequence changes on RNA splicing suggest that this variant may disrupt the consensus splice site, but this prediction has not been confirmed by published transcriptional studies. This variant has not been reported in the literature in individuals with AR-related conditions. This variant is not present in population databases (ExAC no frequency). This sequence change falls in intron 2 of the AR gene. It does not directly change the encoded amino acid sequence of the AR protein. It affects a nucleotide within the consensus splice site of the intron.

Literature cited by the submitters: PubMed 17576681; PubMed 9536098.

NM_000044.6(AR):c.1768+3A>G

Gene: AR (androgen receptor; plus strand). Cytogenetic location: Xq12.
Variant type: single nucleotide variant.
Coding change: c.1768+3A>G on transcript NM_000044.6 (MANE Select); 3 bases into the intron after coding-DNA position 1768, A replaced by G.
Molecular consequence: intron variant.
Genome position (GRCh38, 1-based): chrX:67,643,410, A>G. VCF-style: chrX-67643410-A-G. GRCh37 (hg19) VCF-style: chrX-66863252-A-G.
Other names: c.172+3A>G (NM_001011645.3); c.1768+3A>G (NM_001348061.1, NM_001348063.1); c.1617-42531A>G (NM_001348064.1).
Identifiers: ClinVar variation 1366022 (VCV001366022.6), dbSNP rs2147436767, ClinGen allele CA2573159026.
Genomic context (GRCh38, chrX:67,643,410, plus strand): 5'-CACTATGGAGCTCTCACATGTGGAAGCTGCAAGGTCTTCTTCAAAAGAGCCGCTGAAGGT[A>G]AAGGGTCTTGCACATGCACTTCTCTTTCCCTTTCTCCTTTACCTTCCAGAGAGAGACACT-3'